The following is an entry in ClinVar:

NM_170784.3(MKKS):c.1183C>A (p.His395Asn)

Gene: MKKS (MKKS centrosomal shuttling protein; minus strand). Cytogenetic location: 20p12.2.
Variant type: single nucleotide variant.
Coding change: c.1183C>A on transcript NM_170784.3 (MANE Select); coding-DNA position 1183, C replaced by A.
Protein change: p.His395Asn; replaces histidine 395 with asparagine.
Molecular consequence: missense variant. On other transcripts: non-coding transcript variant (1).
Genome position (GRCh38, 1-based): chr20:10,407,705, G>T on the plus strand (C>A on the coding strand, the complement: MKKS is on the minus strand). VCF-style: chr20-10407705-G-T. GRCh37 (hg19) VCF-style: chr20-10388353-G-T.
Other names: c.1183C>A, p.His395Asn (NM_018848.3); short protein forms H395N.
Identifiers: ClinVar variation 4992454 (VCV004992454.1).
Genomic context (GRCh38, chr20:10,407,705, plus strand): 5'-TTTCAGTACAGCCACCTCCCAACAAAGCCCATGGTTCCTTGAGTGTTAACTGCAGGACAT[G>T]CAGTGCCGTCTGACACGTGAGCTAAGAAAAAACCCAAATCATCAGAATCAGACGTTCACA-3'
Protein context (NP_740754.1, residues 385-405): ELKLTCQTAL[His395Asn]VLQLTLKEPW

ClinVar aggregate classification (germline): Uncertain significance (1 of 4 stars; one submission).

Conditions:
MKKS-related disorder. Also called: MKKS-related disorders; MKKS-related condition.

gnomAD v4.1: 2 of 1,613,906 alleles (0.00012%); no homozygotes.

Submission:

PreventionGenetics, part of Exact Sciences
Classification: Uncertain significance for MKKS-related condition. Last evaluated: 2026-07-08. Review status: criteria provided, single submitter. Criteria: ACMG Guidelines, 2015. Collection method: clinical testing. Allele origin: germline.
Comment: The MKKS c.1183C>A variant is predicted to result in the amino acid substitution p.His395Asn. To our knowledge, this variant has not been reported in the literature. This variant is reported in 0.014% of alleles in individuals of European (Finnish) descent in gnomAD. At this time, the clinical significance of this variant is uncertain due to the absence of conclusive functional and genetic evidence.